The following is an entry in ClinVar:

ClinVar aggregate classification (germline): Uncertain significance (1 of 4 stars; one submission).

Conditions:
Early Myoclonic Encephalopathy. Identifiers: MedGen C0270855.

gnomAD v4.1: 19 of 1,614,154 alleles (0.0012%); highest among the groups gnomAD compares: Non-Finnish European, 0.0015%; no homozygotes.

Submission:

Labcorp Genetics (formerly Invitae), Labcorp
Classification: Uncertain significance for Early Myoclonic Encephalopathy. Last evaluated: 2024-07-15. Review status: criteria provided, single submitter. Criteria: Invitae Variant Classification Sherloc (09022015). Collection method: clinical testing. Allele origin: germline.
Comment: This sequence change replaces serine, which is neutral and polar, with leucine, which is neutral and non-polar, at codon 730 of the JMJD1C protein (p.Ser730Leu). This variant is present in population databases (no rsID available, gnomAD 0.002%). This variant has not been reported in the literature in individuals affected with JMJD1C-related conditions. Advanced modeling of protein sequence and biophysical properties (such as structural, functional, and spatial information, amino acid conservation, physicochemical variation, residue mobility, and thermodynamic stability) performed at Invitae indicates that this missense variant is expected to disrupt JMJD1C protein function with a positive predictive value of 80%. In summary, the available evidence is currently insufficient to determine the role of this variant in disease. Therefore, it has been classified as a Variant of Uncertain Significance.

NM_032776.3(JMJD1C):c.2189C>T (p.Ser730Leu)

Gene: JMJD1C (jumonji domain containing 1C; minus strand). Cytogenetic location: 10q21.3.
Variant type: single nucleotide variant.
Coding change: c.2189C>T on transcript NM_032776.3 (MANE Select); coding-DNA position 2189, C replaced by T.
Protein change: p.Ser730Leu; replaces serine 730 with leucine.
Molecular consequence: missense variant. On other transcripts: non-coding transcript variant (1).
Genome position (GRCh38, 1-based): chr10:63,213,978, G>A on the plus strand (C>T on the coding strand, the complement: JMJD1C is on the minus strand). VCF-style: chr10-63213978-G-A. GRCh37 (hg19) VCF-style: chr10-64973738-G-A.
Other names: c.1643C>T, p.Ser548Leu (NM_001282948.2, NM_001318154.2); c.1325C>T, p.Ser442Leu (NM_001318153.2); c.2075C>T, p.Ser692Leu (NM_001322252.2); c.1532C>T, p.Ser511Leu (NM_001322254.2, NM_001322258.2); short protein forms S442L, S548L, S511L, S692L, S730L.
Identifiers: ClinVar variation 3704995 (VCV003704995.2).